The following is an entry in ClinVar:

ClinVar aggregate classification (germline): Uncertain significance (1 of 4 stars; one submission).

Submission:

Labcorp Genetics (formerly Invitae), Labcorp
Classification: Uncertain significance. Last evaluated: 2025-05-22. Review status: criteria provided, single submitter. Criteria: Invitae Variant Classification Sherloc (09022015). Collection method: clinical testing. Allele origin: germline.
Comment: This sequence change replaces serine, which is neutral and polar, with arginine, which is basic and polar, at codon 347 of the EMC1 protein (p.Ser347Arg). This variant is not present in population databases (gnomAD no frequency). This variant has not been reported in the literature in individuals affected with EMC1-related conditions. ClinVar contains an entry for this variant (Variation ID: 3604216). An algorithm developed to predict the effect of missense changes on protein structure and function (PolyPhen-2) suggests that this variant is likely to be tolerated. In summary, the available evidence is currently insufficient to determine the role of this variant in disease. Therefore, it has been classified as a Variant of Uncertain Significance.

NM_015047.3(EMC1):c.1039A>C (p.Ser347Arg)

Genes: EMC1 (ER membrane protein complex subunit 1; minus strand), EMC1-AS1 (EMC1 antisense RNA 1; plus strand). Cytogenetic location: 1p36.13.
Variant type: single nucleotide variant.
Coding change: c.1039A>C on transcript NM_015047.3 (MANE Select); coding-DNA position 1039, A replaced by C.
Protein change: p.Ser347Arg; replaces serine 347 with arginine.
Molecular consequence: missense variant.
Genome position (GRCh38, 1-based): chr1:19,238,845, T>G on the plus strand (A>C on the coding strand, the complement: EMC1 is on the minus strand). VCF-style: chr1-19238845-T-G. GRCh37 (hg19) VCF-style: chr1-19565339-T-G.
Other names: c.1036A>C, p.Ser346Arg (NM_001271427.2, NM_001375821.1); c.1039A>C, p.Ser347Arg (NM_001271428.2, NM_001375820.1); c.973A>C, p.Ser325Arg (NM_001271429.2); short protein forms S325R, S346R, S347R.
Identifiers: ClinVar variation 3604216 (VCV003604216.2).